The following is an entry in ClinVar:

NM_000795.4(DRD2):c.191C>T (p.Ala64Val)

Gene: DRD2 (dopamine receptor D2; minus strand). Cytogenetic location: 11q23.2.
Variant type: single nucleotide variant.
Coding change: c.191C>T on transcript NM_000795.4 (MANE Select); coding-DNA position 191, C replaced by T.
Protein change: p.Ala64Val; replaces alanine 64 with valine.
Molecular consequence: missense variant.
Genome position (GRCh38, 1-based): chr11:113,424,461, G>A on the plus strand (C>T on the coding strand, the complement: DRD2 is on the minus strand). VCF-style: chr11-113424461-G-A. GRCh37 (hg19) VCF-style: chr11-113295183-G-A.
Other names: c.191C>T, p.Ala64Val (NM_016574.4); short protein forms A64V.
Identifiers: ClinVar variation 696532 (VCV000696532.10), dbSNP rs201137518, ClinGen allele CA6281471.

ClinVar aggregate classification (germline): Conflicting classifications of pathogenicity. Review status: criteria provided, conflicting classifications (1 of 4 stars). 2 submissions from 2 submitters: Uncertain significance (1); Likely benign (1). Last evaluated 2024-07-24.

Conditions:
Dystonic disorder. Also called: Dystonia. Identifiers: MedGen C0013421, MONDO:0003441, HP:0001332.

Allele frequency attached by ClinVar (database versions not stated): ExAC 0.00012; gnomAD exomes 0.00013; TOPMed 0.00019; gnomAD 0.00025.
gnomAD v4.1: 119 of 1,614,246 alleles (0.0074%); highest among the groups gnomAD compares: East Asian, 0.076%; 1 homozygote.

Submissions (2):

Labcorp Genetics (formerly Invitae), Labcorp
Classification: Likely benign for Dystonic disorder. Last evaluated: 2024-07-24. Review status: criteria provided, single submitter. Criteria: Invitae Variant Classification Sherloc (09022015). Collection method: clinical testing. Allele origin: germline.

Women's Health and Genetics/Laboratory Corporation of America, LabCorp
Classification: Uncertain significance. Last evaluated: 2023-08-28. Review status: criteria provided, single submitter. Criteria: LabCorp Variant Classification Summary - May 2015. Collection method: clinical testing. Allele origin: germline.
Comment: Variant summary: DRD2 c.191C>T (p.Ala64Val) results in a non-conservative amino acid change located in the GPCR, rhodopsin-like, 7TM domain (IPR017452) of the encoded protein sequence. Five of five in-silico tools predict a damaging effect of the variant on protein function. The variant allele was found at a frequency of 0.00013 in 251424 control chromosomes (gnomAD). To our knowledge, no occurrence of c.191C>T in individuals affected with DRD2-Related Disorders and no experimental evidence demonstrating its impact on protein function have been reported. One ClinVar submitter has assessed this variant since 2014, and classified the variant as likely benign. Based on the evidence outlined above, the variant was classified as uncertain significance.